The following is an entry in ClinVar:

NM_003482.4(KMT2D):c.6811C>T (p.Pro2271Ser)

Gene: KMT2D (lysine methyltransferase 2D; minus strand). Cytogenetic location: 12q13.12.
Variant type: single nucleotide variant.
Coding change: c.6811C>T on transcript NM_003482.4 (MANE Select); coding-DNA position 6811, C replaced by T.
Protein change: p.Pro2271Ser; replaces proline 2271 with serine.
Molecular consequence: missense variant.
Genome position (GRCh38, 1-based): chr12:49,040,959, G>A on the plus strand (C>T on the coding strand, the complement: KMT2D is on the minus strand). VCF-style: chr12-49040959-G-A. GRCh37 (hg19) VCF-style: chr12-49434742-G-A.
Other names: short protein forms P2271S.
Identifiers: ClinVar variation 134689 (VCV000134689.40), dbSNP rs199802471, ClinGen allele CA160545.

ClinVar aggregate classification (germline): Benign/Likely benign. Review status: criteria provided, multiple submitters, no conflicts (2 of 4 stars). 7 submissions from 7 submitters: Benign (1); Likely benign (4). 2 of the submissions do not count toward it. Last evaluated 2026-09-01.

Conditions:
KMT2D-related disorder. Also called: KMT2D-Related Disorders.
Kabuki syndrome. Also called: NIIKAWA-KUROKI SYNDROME; Kabuki make-up syndrome. Identifiers: Orphanet 2322, MedGen C0796004, MONDO:0016512.
Kabuki syndrome 1 (KABUK1). Also called: KMT2D-Related Kabuki Syndrome. Identifiers: Orphanet 2322, MedGen CN030661, MONDO:0007843, OMIM 147920.

Allele frequency attached by ClinVar (database versions not stated): gnomAD exomes 0.00068 and 0.00051; gnomAD 0.00034 and 0.00036; TOPMed 0.00035; 1000 Genomes Project 0.00040; ExAC 0.00040; 1000 Genomes Project 30x 0.00047; ESP Exome Variant Server 0.00050.
gnomAD v4.1: 1,038 of 1,611,170 alleles (0.064%); highest among the groups gnomAD compares: Non-Finnish European, 0.076%; 1 homozygote.

Submissions (7):

CeGaT Center for Human Genetics Tuebingen
Classification: Likely benign. Last evaluated: 2026-09-01. Review status: criteria provided, single submitter. Criteria: CeGaT Center For Human Genetics Tuebingen Variant Classification Criteria Version 2. Collection method: clinical testing. Allele origin: germline. Affected: yes. Observed: 5 variant alleles.
Comment: KMT2D: BP4, BS2

Labcorp Genetics (formerly Invitae), Labcorp
Classification: Likely benign for Kabuki syndrome. Last evaluated: 2026-01-24. Review status: criteria provided, single submitter. Criteria: Invitae Variant Classification Sherloc (09022015). Collection method: clinical testing. Allele origin: germline.

Blueprint Genetics
Classification: Likely benign. Last evaluated: 2024-07-16. Review status: criteria provided, single submitter. Criteria: ACMG Guidelines, 2015. Collection method: clinical testing. Allele origin: germline.

Mendelics
Classification: Benign for Kabuki syndrome 1. Last evaluated: 2023-08-22. Review status: criteria provided, single submitter. Criteria: Mendelics Assertion Criteria 2019. Collection method: clinical testing. Allele origin: germline.

Eurofins Ntd Llc (ga)
Classification: Likely benign. Last evaluated: 2018-07-26. Review status: criteria provided, single submitter. Criteria: EGL ClinVar v180209 classification definitions. Collection method: clinical testing. Allele origin: germline. Observed: 2 variant alleles, 2 heterozygotes.

PreventionGenetics, part of Exact Sciences
Classification: Likely benign for KMT2D-related condition. Last evaluated: 2021-07-01. Review status: no assertion criteria provided. Collection method: clinical testing. Allele origin: germline. Not counted in ClinVar's aggregate classification.
Comment: This variant is classified as likely benign based on ACMG/AMP sequence variant interpretation guidelines (Richards et al. 2015 PMID: 25741868, with internal and published modifications).

ITMI
No classification provided. Condition: AllHighlyPenetrant. Last evaluated: 2013-09-19. Review status: no classification provided. Collection method: reference population. Allele origin: germline. Not counted in ClinVar's aggregate classification.
Comment: Please see associated publication for description of ethnicities

Literature cited by the submitters: PubMed 24728327 (cited by ITMI).